The following is an entry in ClinVar:

NM_152327.5(AK7):c.2091T>A (p.Asn697Lys)

Gene: AK7 (adenylate kinase 7; plus strand). Cytogenetic location: 14q32.2.
Variant type: single nucleotide variant.
Coding change: c.2091T>A on transcript NM_152327.5 (MANE Select); coding-DNA position 2091, T replaced by A.
Protein change: p.Asn697Lys; replaces asparagine 697 with lysine.
Molecular consequence: missense variant.
Genome position (GRCh38, 1-based): chr14:96,487,014, T>A. VCF-style: chr14-96487014-T-A. GRCh37 (hg19) VCF-style: chr14-96953351-T-A.
Other names: c.1893T>A, p.Asn631Lys (NM_001350892.2); c.2022T>A, p.Asn674Lys (NM_001350888.2, NM_001350890.2); c.2013T>A, p.Asn671Lys (NM_001350891.2); short protein forms N674K, N631K, N671K, N697K.
Identifiers: ClinVar variation 3020524 (VCV003020524.3), dbSNP rs772682094, ClinGen allele CA7338051.

ClinVar aggregate classification (germline): Uncertain significance (1 of 4 stars; one submission).

Allele frequency attached by ClinVar (database versions not stated): gnomAD 0.00001; TOPMed 0.00003.
gnomAD v4.1: 57 of 1,614,024 alleles (0.0035%); highest among the groups gnomAD compares: Non-Finnish European, 0.0048%; no homozygotes.

Submission:

Labcorp Genetics (formerly Invitae), Labcorp
Classification: Uncertain significance. Last evaluated: 2023-10-10. Review status: criteria provided, single submitter. Criteria: Invitae Variant Classification Sherloc (09022015). Collection method: clinical testing. Allele origin: germline.
Comment: This sequence change replaces asparagine, which is neutral and polar, with lysine, which is basic and polar, at codon 697 of the AK7 protein (p.Asn697Lys). This variant is present in population databases (rs772682094, gnomAD 0.003%). This variant has not been reported in the literature in individuals affected with AK7-related conditions. Advanced modeling of protein sequence and biophysical properties (such as structural, functional, and spatial information, amino acid conservation, physicochemical variation, residue mobility, and thermodynamic stability) performed at Invitae indicates that this missense variant is not expected to disrupt AK7 protein function. In summary, the available evidence is currently insufficient to determine the role of this variant in disease. Therefore, it has been classified as a Variant of Uncertain Significance.